The following is an entry in ClinVar:

NM_025161.6(FAAP100):c.1433A>G (p.Gln478Arg)

Gene: FAAP100 (FA core complex associated protein 100; minus strand). Cytogenetic location: 17q25.3.
Variant type: single nucleotide variant.
Coding change: c.1433A>G on transcript NM_025161.6 (MANE Select); coding-DNA position 1433, A replaced by G.
Protein change: p.Gln478Arg; replaces glutamine 478 with arginine.
Molecular consequence: missense variant. On other transcripts: non-coding transcript variant (1).
Genome position (GRCh38, 1-based): chr17:81,547,649, T>C on the plus strand (A>G on the coding strand, the complement: FAAP100 is on the minus strand). VCF-style: chr17-81547649-T-C. GRCh37 (hg19) VCF-style: chr17-79514675-T-C.
Other names: c.1433A>G, p.Gln478Arg (NM_001109760.1); short protein forms Q478R.
Identifiers: ClinVar variation 2648460 (VCV002648460.25), dbSNP rs149253459, ClinGen allele CA8837530.

ClinVar aggregate classification (germline): Likely benign. Review status: criteria provided, multiple submitters, no conflicts (2 of 4 stars). 2 submissions from 2 submitters: Likely benign (2). Last evaluated 2026-08-01.

Allele frequency attached by ClinVar (database versions not stated): 1000 Genomes Project 30x 0.00078; 1000 Genomes Project 0.00100; TOPMed 0.00196; gnomAD 0.00198; ESP Exome Variant Server 0.00231; ExAC 0.00244; gnomAD exomes 0.00264.
gnomAD v4.1: 4,120 of 1,611,056 alleles (0.26%); highest among the groups gnomAD compares: Non-Finnish European, 0.3%; 7 homozygotes.

Submissions (2):

CeGaT Center for Human Genetics Tuebingen
Classification: Likely benign. Last evaluated: 2026-08-01. Review status: criteria provided, single submitter. Criteria: CeGaT Center For Human Genetics Tuebingen Variant Classification Criteria Version 2. Collection method: clinical testing. Allele origin: germline. Affected: yes. Observed: 4 variant alleles.
Comment: FAAP100: BP4, BS2

Blueprint Genetics
Classification: Likely benign. Last evaluated: 2024-11-08. Review status: criteria provided, single submitter. Criteria: ACMG Guidelines, 2015. Collection method: clinical testing. Allele origin: germline.